The following is an entry in ClinVar:

NM_005359.6(SMAD4):c.1297G>A (p.Ala433Thr)

Gene: SMAD4 (SMAD family member 4; plus strand). Cytogenetic location: 18q21.2.
Variant type: single nucleotide variant.
Coding change: c.1297G>A on transcript NM_005359.6 (MANE Select); coding-DNA position 1297, G replaced by A.
Protein change: p.Ala433Thr; replaces alanine 433 with threonine.
Molecular consequence: missense variant.
Genome position (GRCh38, 1-based): chr18:51,067,176, G>A. VCF-style: chr18-51067176-G-A. GRCh37 (hg19) VCF-style: chr18-48593546-G-A.
Other names: short protein forms A433T.
Identifiers: ClinVar variation 818833 (VCV000818833.4), dbSNP rs1599197175, ClinGen allele CA402465058.

ClinVar aggregate classification (germline): Uncertain significance (1 of 4 stars; one submission).

Conditions:
Familial thoracic aortic aneurysm and aortic dissection (TAAD). Also called: Thoracic aortic aneurysms and dissections. Identifiers: Orphanet 91387, MedGen C4707243, MONDO:0019625.
Hereditary cancer-predisposing syndrome. Also called: Tumor predisposition; Hereditary neoplastic syndrome; Neoplastic Syndromes, Hereditary; Hereditary Cancer Syndrome. Identifiers: Orphanet 140162, MedGen C0027672, MeSH D009386, MONDO:0015356.

Allele frequency attached by ClinVar (database versions not stated): gnomAD 0.00001.
gnomAD v4.1: 1 of 1,578,270 alleles (0.000063%); highest among the groups gnomAD compares: African/African-American, 0.0013%; no homozygotes.

Submission:

Ambry Genetics
Classification: Uncertain significance for Hereditary cancer-predisposing syndrome; Familial thoracic aortic aneurysm and aortic dissection. Last evaluated: 2019-11-05. Review status: criteria provided, single submitter. Criteria: Ambry Variant Classification Scheme 2023. Collection method: clinical testing. Allele origin: germline.
Comment: The p.A433T variant (also known as c.1297G>A), located in coding exon 9 of the SMAD4 gene, results from a G to A substitution at nucleotide position 1297. The alanine at codon 433 is replaced by threonine, an amino acid with similar properties. This amino acid position is highly conserved in available vertebrate species. In addition, this alteration is predicted to be deleterious by in silico analysis. Since supporting evidence is limited at this time, the clinical significance of this alteration remains unclear.